The following is an entry in ClinVar:

ClinVar aggregate classification (germline): Benign/Likely benign. Review status: criteria provided, multiple submitters, no conflicts (2 of 4 stars). 5 submissions from 5 submitters: Benign (1); Likely benign (4). Last evaluated 2025-09-30.

Conditions:
Hereditary cancer-predisposing syndrome. Also called: Hereditary neoplastic syndrome; Tumor predisposition; Hereditary Cancer Syndrome; Neoplastic Syndromes, Hereditary. Identifiers: Orphanet 140162, MedGen C0027672, MeSH D009386, MONDO:0015356.
Familial cancer of breast. Also called: Hereditary breast cancer; hereditary breast carcinoma; BREAST CANCER, FAMILIAL. Identifiers: Orphanet 227535, MedGen C0346153, MONDO:0016419, OMIM 114480. Disease mechanism: loss of function.

Allele frequency attached by ClinVar (database versions not stated): gnomAD exomes below 0.00001; gnomAD 0.00001; TOPMed 0.00001.

Submissions (5):

Labcorp Genetics (formerly Invitae), Labcorp
Classification: Likely benign for Familial cancer of breast. Last evaluated: 2025-09-30. Review status: criteria provided, single submitter. Criteria: Invitae Variant Classification Sherloc (09022015). Collection method: clinical testing. Allele origin: germline.

Myriad Genetics, Inc.
Classification: Benign for Familial cancer of breast. Last evaluated: 2024-10-04. Review status: criteria provided, single submitter. Criteria: Myriad Autosomal Dominant, Autosomal Recessive and X-Linked Classification Criteria (2023). Collection method: clinical testing. Allele origin: unknown.
Comment: This variant is considered benign. This variant is a silent/synonymous amino acid change and it is not expected to impact splicing.

GeneDx
Classification: Likely benign. Last evaluated: 2017-08-03. Review status: criteria provided, single submitter. Criteria: GeneDx Variant Classification (06012015). Collection method: clinical testing. Allele origin: germline. Affected: yes.
Comment: This variant is considered likely benign or benign based on one or more of the following criteria: it is a conservative change, it occurs at a poorly conserved position in the protein, it is predicted to be benign by multiple in silico algorithms, and/or has population frequency not consistent with disease.

Color Diagnostics, LLC DBA Color Health
Classification: Likely benign for Hereditary cancer-predisposing syndrome. Last evaluated: 2016-10-31. Review status: criteria provided, single submitter. Criteria: ACMG Guidelines, 2015. Collection method: clinical testing. Allele origin: germline.

Ambry Genetics
Classification: Likely benign for Hereditary cancer-predisposing syndrome. Last evaluated: 2015-12-15. Review status: criteria provided, single submitter. Criteria: Ambry Variant Classification Scheme 2023. Collection method: clinical testing. Allele origin: germline.

NM_007194.4(CHEK2):c.996C>T (p.Leu332=)

Gene: CHEK2 (checkpoint kinase 2; minus strand). Cytogenetic location: 22q12.1.
Variant type: single nucleotide variant.
Coding change: c.996C>T on transcript NM_007194.4 (MANE Select); coding-DNA position 996, C replaced by T.
Protein change: p.Leu332=; no amino-acid change (leucine 332 retained).
Molecular consequence: synonymous variant.
Genome position (GRCh38, 1-based): chr22:28,699,850, G>A on the plus strand (C>T on the coding strand, the complement: CHEK2 is on the minus strand). VCF-style: chr22-28699850-G-A. GRCh37 (hg19) VCF-style: chr22-29095838-G-A.
Other names: c.1125C>T, p.Leu375= (NM_001005735.3); c.333C>T, p.Leu111= (NM_001257387.3); c.795C>T, p.Leu265= (NM_001349956.3); c.996C>T, p.Leu332= (NM_145862.3).
Identifiers: ClinVar variation 491660 (VCV000491660.18), dbSNP rs1053994833, ClinGen allele CA323009466.